The following is an entry in ClinVar:

NM_000138.5(FBN1):c.5066-13A>T

Gene: FBN1 (fibrillin 1; minus strand). Cytogenetic location: 15q21.1.
Variant type: single nucleotide variant.
Coding change: c.5066-13A>T on transcript NM_000138.5 (MANE Select); 13 bases into the intron before coding-DNA position 5066, A replaced by T.
Molecular consequence: intron variant.
Genome position (GRCh38, 1-based): chr15:48,463,253, T>A on the plus strand (A>T on the coding strand, the complement: FBN1 is on the minus strand). VCF-style: chr15-48463253-T-A. GRCh37 (hg19) VCF-style: chr15-48755450-T-A.
Identifiers: ClinVar variation 668672 (VCV000668672.3), dbSNP rs1167489368, ClinGen allele CA915945991.

ClinVar aggregate classification (germline): Likely benign. Review status: criteria provided, multiple submitters, no conflicts (2 of 4 stars). 2 submissions from 2 submitters: Likely benign (2). Last evaluated 2020-01-14.

Conditions:
Familial thoracic aortic aneurysm and aortic dissection (TAAD). Also called: Thoracic aortic aneurysms and dissections. Identifiers: Orphanet 91387, MedGen C4707243, MONDO:0019625.

Allele frequency attached by ClinVar (database versions not stated): gnomAD exomes below 0.00001.
gnomAD v4.1: 1 of 1,609,892 alleles (0.000062%); highest among the groups gnomAD compares: Non-Finnish European, 0.000085%; no homozygotes.

Submissions (2):

Color Diagnostics, LLC DBA Color Health
Classification: Likely benign for Familial thoracic aortic aneurysm and aortic dissection. Last evaluated: 2020-01-14. Review status: criteria provided, single submitter. Criteria: ACMG Guidelines, 2015. Collection method: clinical testing. Allele origin: germline.

GeneDx
Classification: Likely benign. Last evaluated: 2018-06-01. Review status: criteria provided, single submitter. Criteria: GeneDx Variant Classification (06012015). Collection method: clinical testing. Allele origin: germline. Affected: yes.
Comment: This variant is considered likely benign or benign based on one or more of the following criteria: it is a conservative change, it occurs at a poorly conserved position in the protein, it is predicted to be benign by multiple in silico algorithms, and/or has population frequency not consistent with disease.